The following is an entry in ClinVar:

NM_025216.3(WNT10A):c.2T>G (p.Met1Arg)

Gene: WNT10A (Wnt family member 10A; plus strand). Cytogenetic location: 2q35.
Variant type: single nucleotide variant.
Coding change: c.2T>G on transcript NM_025216.3 (MANE Select); coding-DNA position 2, T replaced by G.
Protein change: p.Met1Arg; changes the start codon (methionine 1).
Molecular consequence: missense variant, initiator codon variant.
Genome position (GRCh38, 1-based): chr2:218,880,997, T>G. VCF-style: chr2-218880997-T-G. GRCh37 (hg19) VCF-style: chr2-219745719-T-G.
Other names: short protein forms M1R.
Identifiers: ClinVar variation 4063347 (VCV004063347.2).
Genomic context (GRCh38, chr2:218,880,997, plus strand): 5'-CTCTCCAGTCCCACTGGGCTGTGAGCCCCCCACTCCCAGCCCGTCAGGGCCTGCGCGCCA[T>G]GGGCAGCGCCCACCCTCGCCCCTGGCTGCGGCTCCGACCCCAGCCCCAGCCGCGGCCAGC-3'
Protein context (NP_079492.2, residues 1-11): [Met1Arg]GSAHPRPWLR

ClinVar aggregate classification (germline): Likely pathogenic (1 of 4 stars; one submission).

Conditions:
Schöpf-Schulz-Passarge syndrome. Also called: ECCRINE TUMORS WITH ECTODERMAL DYSPLASIA; KERATOSIS PALMOPLANTARIS WITH CYSTIC EYELIDS, HYPODONTIA, AND HYPOTRICHOSIS; SchC6pf-Schulz-Passarge syndrome. Identifiers: Orphanet 50944, MedGen C1857069, MONDO:0009145, OMIM 224750.

Submission:

Natera, Inc.
Classification: Likely pathogenic for Schopf-Schulz-Passarge syndrome. Last evaluated: 2025-05-27. Review status: criteria provided, single submitter. Criteria: Natera Variant Classification Schema (03/2026). Collection method: clinical testing. Allele origin: germline.
Comment: The c.2T>G variant in WNT10A is predicted to result in start loss due to disruption of the initiator methionine. This variant is expected to result in nonsense mediated decay, truncation, or a dysfunctional protein product. This variant is rare in the general population with a frequency below the threshold expected for the associated phenotype(s). Given the available evidence, this variant is classified as Likely Pathogenic.